The following is an entry in ClinVar:

NM_006929.5(SKIC2):c.1448G>A (p.Arg483His)

Gene: SKIC2 (SKI2 subunit of superkiller complex; plus strand). Cytogenetic location: 6p21.33.
Variant type: single nucleotide variant.
Coding change: c.1448G>A on transcript NM_006929.5 (MANE Select); coding-DNA position 1448, G replaced by A.
Protein change: p.Arg483His; replaces arginine 483 with histidine.
Molecular consequence: missense variant.
Genome position (GRCh38, 1-based): chr6:31,963,457, G>A. VCF-style: chr6-31963457-G-A. GRCh37 (hg19) VCF-style: chr6-31931234-G-A.
Other names: short protein forms R483H.
Identifiers: ClinVar variation 5037978 (VCV005037978.1).

ClinVar aggregate classification (germline): Uncertain significance (1 of 4 stars; one submission).

Conditions:
Trichohepatoenteric syndrome 2 (THES2). Identifiers: Orphanet 84064, MedGen C3281289, MONDO:0013818, OMIM 614602.

gnomAD v4.1: 5 of 1,610,940 alleles (0.00031%); highest among the groups gnomAD compares: East Asian, 0.0022%; no homozygotes.

Submission:

Juno Genomics, Hangzhou Juno Genomics, Inc
Classification: Uncertain significance for Trichohepatoenteric syndrome 2. Review status: criteria provided, single submitter. Criteria: ACMG Guidelines, 2015. Collection method: clinical testing. Allele origin: germline. Affected: yes.
Comment: Absent from controls (or at extremely low frequency if recessive) in Genome Aggregation Database.;Multiple lines of computational evidence support a deleterious effect on the gene or gene product.;For recessive disorders, detected in trans with a pathogenic variant.